The following is an entry in ClinVar:

ClinVar aggregate classification (germline): Uncertain significance (1 of 4 stars; one submission).

Submission:

Labcorp Genetics (formerly Invitae), Labcorp
Classification: Uncertain significance. Last evaluated: 2025-12-19. Review status: criteria provided, single submitter. Criteria: Invitae Variant Classification Sherloc (09022015). Collection method: clinical testing. Allele origin: germline.
Comment: This sequence change affects codon 184 of the MC4R mRNA. It is a 'silent' change, meaning that it does not change the encoded amino acid sequence of the MC4R protein. This variant is present in population databases (no rsID available, gnomAD 0.007%). This variant has not been reported in the literature in individuals affected with MC4R-related conditions. In summary, the available evidence is currently insufficient to determine the role of this variant in disease. Therefore, it has been classified as a Variant of Uncertain Significance.

NM_005912.3(MC4R):c.552C>T (p.Phe184=)

Gene: MC4R (melanocortin 4 receptor; minus strand). Cytogenetic location: 18q21.32.
Variant type: single nucleotide variant.
Coding change: c.552C>T on transcript NM_005912.3 (MANE Select); coding-DNA position 552, C replaced by T.
Protein change: p.Phe184=; no amino-acid change (phenylalanine 184 retained).
Molecular consequence: synonymous variant.
Genome position (GRCh38, 1-based): chr18:60,371,798, G>A on the plus strand (C>T on the coding strand, the complement: MC4R is on the minus strand). VCF-style: chr18-60371798-G-A. GRCh37 (hg19) VCF-style: chr18-58039031-G-A.
Identifiers: ClinVar variation 4762595 (VCV004762595.1).
Genomic context (GRCh38, chr18:60,371,798, plus strand): 5'-CATGGTGAAGAACATGGTGATGAGGCAGATGATGACAGCACTACTATCTGAGTAAATGAT[G>A]AACAAAATGCCTGAAACCGTGCAAGCTGCCCAGATACAACTTATGATGATCCCAACCCGC-3'
Protein context (NP_005903.2, residues 174-194): WAACTVSGIL[Phe184=]IIYSDSSAVI